The following is an entry in ClinVar:

NM_007215.4(POLG2):c.159C>A (p.Asn53Lys)

Genes: MILR1 (mast cell immunoglobulin like receptor 1; plus strand), POLG2 (DNA polymerase gamma 2, accessory subunit; minus strand). Cytogenetic location: 17q23.3.
Variant type: single nucleotide variant.
Coding change: c.159C>A on transcript NM_007215.4 (MANE Select); coding-DNA position 159, C replaced by A.
Protein change: p.Asn53Lys; replaces asparagine 53 with lysine.
Molecular consequence: missense variant.
Genome position (GRCh38, 1-based): chr17:64,496,810, G>T on the plus strand (C>A on the coding strand, the complement: POLG2 is on the minus strand). VCF-style: chr17-64496810-G-T. GRCh37 (hg19) VCF-style: chr17-62492928-G-T.
Other names: c.159C>A (NM_007215.3); short protein forms N53K.
Identifiers: ClinVar variation 1418183 (VCV001418183.7), dbSNP rs1266715615, ClinGen allele CA400641523.

ClinVar aggregate classification (germline): Uncertain significance. Review status: criteria provided, multiple submitters, no conflicts (2 of 4 stars). 2 submissions from 2 submitters: Uncertain significance (2). Last evaluated 2023-03-01.

Allele frequency attached by ClinVar (database versions not stated): gnomAD 0.00001; TOPMed 0.00001.
gnomAD v4.1: 10 of 1,613,618 alleles (0.00062%); highest among the groups gnomAD compares: South Asian, 0.0055%; no homozygotes.

Submissions (2):

Labcorp Genetics (formerly Invitae), Labcorp
Classification: Uncertain significance. Last evaluated: 2023-03-01. Review status: criteria provided, single submitter. Criteria: Invitae Variant Classification Sherloc (09022015). Collection method: clinical testing. Allele origin: germline.
Comment: ClinVar contains an entry for this variant (Variation ID: 1418183). An algorithm developed to predict the effect of missense changes on protein structure and function (PolyPhen-2) suggests that this variant is likely to be tolerated. In summary, the available evidence is currently insufficient to determine the role of this variant in disease. Therefore, it has been classified as a Variant of Uncertain Significance. This variant has not been reported in the literature in individuals affected with POLG2-related conditions. This sequence change replaces asparagine, which is neutral and polar, with lysine, which is basic and polar, at codon 53 of the POLG2 protein (p.Asn53Lys). This variant is not present in population databases (gnomAD no frequency).

Ambry Genetics
Classification: Uncertain significance. Last evaluated: 2021-08-10. Review status: criteria provided, single submitter. Criteria: Ambry Variant Classification Scheme 2023. Collection method: clinical testing. Allele origin: germline.